The following is an entry in ClinVar:

NM_006846.4(SPINK5):c.2468dup (p.Lys824fs)

Gene: SPINK5 (serine peptidase inhibitor Kazal type 5; plus strand). Cytogenetic location: 5q32.
Variant type: Duplication.
Coding change: c.2468dup on transcript NM_006846.4 (MANE Select); coding-DNA position 2468, one base duplicated (A; older notation c.2468dupA).
Protein change: p.Lys824fs; shifts the reading frame from lysine 824.
Molecular consequence: frameshift variant.
Genome position (GRCh38, 1-based): chr5:148,120,321, A duplicated; the last of 10 consecutive A bases (chr5:148,120,312-148,120,321); duplicating any one gives the same sequence. VCF-style (leftmost placement, unchanged base first): chr5-148120311-G-GA. GRCh37 (hg19) VCF-style: chr5-147499874-G-GA.
Other names: c.2468dup, p.Lys824fs (NM_001127698.2, NM_001127699.2); c.2468dupA (NM_006846.3, NM_001127698.2); short protein forms K824fs.
Identifiers: ClinVar variation 5268 (VCV000005268.53), dbSNP rs565782662, ClinGen allele CA117364.

ClinVar aggregate classification (germline): Pathogenic. Review status: criteria provided, multiple submitters, no conflicts (2 of 4 stars). 10 submissions from 10 submitters: Pathogenic (9). 1 of the submissions does not count toward it. Last evaluated 2025-12-31.

Conditions:
SPINK5-related disorder. Also called: SPINK5-related condition.
Ichthyosis linearis circumflexa. Identifiers: MedGen C0265962, MONDO:0043106, HP:0025810.
Netherton syndrome (NETH). Also called: NETHERTON DISEASE; ERYTHRODERMA, ICHTHYOSIFORM, WITH HYPOTRICHOSIS AND HYPER-IgE; COMEL-NETHERTON SYNDROME. Identifiers: Orphanet 634, MedGen C5574950, MONDO:0009735, OMIM 256500.

Submissions (10):

GeneDx
Classification: Pathogenic. Last evaluated: 2025-12-31. Review status: criteria provided, single submitter. Criteria: GeneDx Variant Classification Process June 2021. Collection method: clinical testing. Allele origin: germline. Affected: yes.
Comment: Frameshift variant predicted to result in protein truncation or nonsense mediated decay in a gene for which loss of function is a known mechanism of disease; This variant is associated with the following publications: (PMID: 11841556, 10835624, 15304086, 19438860, 23820649, 37107695, 34851365, 39052144, 37588055)

Labcorp Genetics (formerly Invitae), Labcorp
Classification: Pathogenic for Ichthyosis linearis circumflexa. Last evaluated: 2025-10-07. Review status: criteria provided, single submitter. Criteria: Invitae Variant Classification Sherloc (09022015). Collection method: clinical testing. Allele origin: germline.
Comment: This sequence change creates a premature translational stop signal (p.Lys824Glufs*4) in the SPINK5 gene. It is expected to result in an absent or disrupted protein product. Loss-of-function variants in SPINK5 are known to be pathogenic (PMID: 11511292, 11841556). The frequency data for this variant in the population databases is considered unreliable, as metrics indicate poor data quality at this position in the gnomAD database. This premature translational stop signal has been observed in individuals with Netherton syndrome (PMID: 10835624, 26031502). This variant is also known as 2468insA. ClinVar contains an entry for this variant (Variation ID: 5268). For these reasons, this variant has been classified as Pathogenic.

Blueprint Genetics
Classification: Pathogenic for SPINK5-related disorders. Last evaluated: 2024-11-25. Review status: criteria provided, single submitter. Criteria: ACMG Guidelines, 2015. Collection method: clinical testing. Allele origin: de novo. Affected: yes. Observed: 5 variant alleles.

Laboratorio de Genetica e Diagnostico Molecular, Hospital Israelita Albert Einstein
Classification: Pathogenic for Netherton syndrome. Last evaluated: 2024-04-26. Review status: criteria provided, single submitter. Criteria: ACMG Guidelines, 2015. Collection method: clinical testing. Allele origin: germline. Affected: yes.
Comment: ACMG classification criteria: PVS1 very strong, PM3 strong

Fulgent Genetics
Classification: Pathogenic for Netherton syndrome. Last evaluated: 2024-02-29. Review status: criteria provided, single submitter. Criteria: ACMG Guidelines, 2015. Collection method: clinical testing. Allele origin: germline.

Women's Health and Genetics/Laboratory Corporation of America, LabCorp
Classification: Pathogenic for Ichthyosis linearis circumflexa. Last evaluated: 2023-12-15. Review status: criteria provided, single submitter. Criteria: LabCorp Variant Classification Summary - May 2015. Collection method: clinical testing. Allele origin: germline.
Comment: Variant summary: SPINK5 c.2468dupA (p.Lys824GlufsX4) results in a premature termination codon, predicted to cause a truncation of the encoded protein or absence of the protein due to nonsense mediated decay, which are commonly known mechanisms for disease. The variant allele was found at a frequency of 0.0013 in 131578 control chromosomes (gnomAD). c.2468dupA (aka 2468insA) has been reported in the literature in multiple homozygous and compound heterozygous individuals affected with Netherton syndrome (e.g. Chavanas_2000, Bitoun_2002). These publications also reported dramatic reduction in the SPINK5 mRNA in keratinocytes derived from homozygous patients, suggestive of nonsense-mediated mRNA decay (Bitoun_2002). These data indicate that the variant is very likely to be associated with disease. The following publications have been ascertained in the context of this evaluation (PMID: 10835624, 11841556). Four submitters have cited clinical-significance assessments for this variant to ClinVar after 2014. All submitters classified the variant as pathogenic. Based on the evidence outlined above, the variant was classified as pathogenic.

3billion
Classification: Pathogenic for Netherton syndrome. Last evaluated: 2022-05-22. Review status: criteria provided, single submitter. Criteria: ACMG Guidelines, 2015. Collection method: clinical testing. Allele origin: germline. Affected: yes. Observed: 1 heterozygote.
Comment: The variant is observed at an extremely low frequency in the gnomAD v2.1.1 dataset (total allele frequency: 0.113%). Frameshift: predicted to result in a loss or disruption of normal protein function through nonsense-mediated decay (NMD) or protein truncation. Multiple pathogenic variants are reported downstream of the variant. The variant has been reported at least twice as pathogenic with clinical assertions and evidence for the classification (ClinVar ID: VCV000005268 / PMID: 10835624). Therefore, this variant is classified as pathogenic according to the recommendation of ACMG/AMP guideline.

CeGaT Center for Human Genetics Tuebingen
Classification: Pathogenic. Last evaluated: 2021-02-01. Review status: criteria provided, single submitter. Criteria: CeGaT Center For Human Genetics Tuebingen Variant Classification Criteria Version 2. Collection method: clinical testing. Allele origin: germline. Affected: yes. Observed: 3 variant alleles.

Neuberg Centre For Genomic Medicine, NCGM
Classification: Pathogenic for Netherton syndrome. Review status: criteria provided, single submitter. Criteria: ACMG Guidelines, 2015. Collection method: clinical testing. Allele origin: germline. Inheritance: Autosomal recessive inheritance. Affected: yes.

OMIM
Classification: Pathogenic for NETHERTON SYNDROME. Last evaluated: 2000-06-01. Review status: no assertion criteria provided. Collection method: literature only. Allele origin: germline. Not counted in ClinVar's aggregate classification.

Literature cited by the submitters: PubMed 11511292 (cited by Labcorp Genetics (formerly Invitae), Labcorp); PubMed 11841556 (cited by Labcorp Genetics (formerly Invitae), Labcorp and Women's Health and Genetics/Laboratory Corporation of America, LabCorp); PubMed 10835624 (cited by 4 submitters); PubMed 26031502 (cited by Labcorp Genetics (formerly Invitae), Labcorp).